The following is an entry in ClinVar:

NM_138927.4(SON):c.3088_3094del (p.Glu1030fs)

Gene: SON (SON DNA and RNA binding protein; plus strand). Cytogenetic location: 21q22.11.
Variant type: Deletion.
Coding change: c.3088_3094del on transcript NM_138927.4 (MANE Select); coding-DNA positions 3088 to 3094, 7 bases deleted (GAACGCT; older notation c.3088_3094delGAACGCT).
Protein change: p.Glu1030fs; shifts the reading frame from glutamic acid 1030.
Molecular consequence: frameshift variant. On other transcripts: non-coding transcript variant (1), intron variant (1).
Genome position (GRCh38, 1-based): chr21:33,552,319-33,552,325, GAACGCT deleted; deleting any 7 consecutive bases within chr21:33,552,316-33,552,325 gives the same sequence; the c. name uses the placement nearest the transcript's 3' end. VCF-style (leftmost placement, unchanged base first): chr21-33552315-GGCTGAAC-G. GRCh37 (hg19) VCF-style: chr21-34924621-GGCTGAAC-G.
Other names: c.3088_3094del, p.Glu1030fs (NM_001291411.2, NM_032195.3); c.3088_3094delGAACGCT, p.Glu1030Leufs (NM_001412133.1, NM_058183.2, NM_138926.1); c.245-4837_245-4831del (NM_001291412.3); short protein forms E1030fs.
Identifiers: ClinVar variation 2231104 (VCV002231104.3), dbSNP rs2517368270, ClinGen allele CA2580098611.
Genomic context (GRCh38, chr21:33,552,315, plus strand): 5'-CATGATGTCATCTTACGAACGCTCTATGATGTCTTATGAGCGGTCTATGATGTCCCCTAT[GGCTGAAC>G]GCTCTATGATGTCAGCCTACGAGCGCTCTATGATGTCAGCCTACGAGCGCTCTATGATGT-3'

ClinVar aggregate classification (germline): Pathogenic (1 of 4 stars; one submission).

Conditions:
Inborn genetic diseases. Identifiers: MedGen C0950123, MeSH D030342.

Submission:

Ambry Genetics
Classification: Pathogenic for Inborn genetic diseases. Last evaluated: 2025-12-16. Review status: criteria provided, single submitter. Criteria: Ambry Variant Classification Scheme 2023. Collection method: clinical testing. Allele origin: germline.
Comment: The c.3088_3094delGAACGCT (p.E1030Lfs*2) alteration, located in exon 3 (coding exon 3) of the SON gene, consists of a deletion of 7 nucleotides from position 3088 to 3094, causing a translational frameshift with a predicted alternate stop codon after 2 amino acids. This alteration is expected to result in loss of function by premature protein truncation or nonsense-mediated mRNA decay. This variant was not reported in population-based cohorts in the Genome Aggregation Database (gnomAD). Based on the available evidence, this alteration is classified as pathogenic.